The following is an entry in ClinVar:

ClinVar aggregate classification (germline): Uncertain significance/Uncertain risk allele. Review status: criteria provided, multiple submitters, no conflicts (2 of 4 stars). 5 submissions from 5 submitters: Uncertain significance (4); Uncertain risk allele (1). Last evaluated 2026-06-01.

Conditions:
Diabetic retinopathy. Identifiers: MedGen C0011884, MONDO:0005266.
Loeys-Dietz syndrome 2 (LDS2). Also called: TGFBR2-Related Loeys-Dietz Syndrome; Marfan syndrome, type 2 (formerly); AORTIC ANEURYSM, FAMILIAL THORACIC 3; MARFAN SYNDROME, TYPE II; Marfan Syndrome type 2; Marfan like connective tissue disorder. Identifiers: Orphanet 284973, Orphanet 558, MedGen C2674574, MONDO:0012427, OMIM 610168.
Familial thoracic aortic aneurysm and aortic dissection (TAAD). Also called: Thoracic aortic aneurysms and dissections. Identifiers: Orphanet 91387, MedGen C4707243, MONDO:0019625.

Allele frequency attached by ClinVar (database versions not stated): gnomAD exomes below 0.00001; TOPMed below 0.00001.

Submissions (5):

Ambry Genetics
Classification: Uncertain significance for Familial thoracic aortic aneurysm and aortic dissection. Last evaluated: 2026-06-01. Review status: criteria provided, single submitter. Criteria: Ambry Variant Classification Scheme 2023. Collection method: clinical testing. Allele origin: germline.
Comment: The p.T132I variant (also known as c.395C>T), located in coding exon 3 of the TGFBR2 gene, results from a C to T substitution at nucleotide position 395. The threonine at codon 132 is replaced by isoleucine, an amino acid with similar properties. This amino acid position is well conserved in available vertebrate species. In addition, the in silico prediction for this alteration is inconclusive. Based on the available evidence, the clinical significance of this variant remains unclear.

Labcorp Genetics (formerly Invitae), Labcorp
Classification: Uncertain significance for Familial thoracic aortic aneurysm and aortic dissection. Last evaluated: 2024-10-21. Review status: criteria provided, single submitter. Criteria: Invitae Variant Classification Sherloc (09022015). Collection method: clinical testing. Allele origin: germline.
Comment: This sequence change replaces threonine, which is neutral and polar, with isoleucine, which is neutral and non-polar, at codon 132 of the TGFBR2 protein (p.Thr132Ile). This variant is present in population databases (no rsID available, gnomAD 0.003%). This variant has not been reported in the literature in individuals affected with TGFBR2-related conditions. ClinVar contains an entry for this variant (Variation ID: 927735). Invitae Evidence Modeling of protein sequence and biophysical properties (such as structural, functional, and spatial information, amino acid conservation, physicochemical variation, residue mobility, and thermodynamic stability) indicates that this missense variant is not expected to disrupt TGFBR2 protein function with a negative predictive value of 95%. In summary, the available evidence is currently insufficient to determine the role of this variant in disease. Therefore, it has been classified as a Variant of Uncertain Significance.

All of Us Research Program, National Institutes of Health
Classification: Uncertain significance for Loeys-Dietz syndrome 2. Last evaluated: 2024-09-23. Review status: criteria provided, single submitter. Criteria: ACMG Guidelines, 2015. Collection method: clinical testing. Allele origin: germline. Inheritance: Autosomal dominant inheritance. Observed: 7 variant alleles, 7 heterozygotes.
Comment: This missense variant replaces threonine with isoleucine at codon 132 of the TGFBR2 protein. Computational prediction suggests that this variant may not impact protein structure and function (internally defined REVEL score threshold <= 0.5, PMID: 27666373). To our knowledge, functional studies have not been reported for this variant. This variant has not been reported in individuals affected with cardiovascular disorders in the literature. This variant has been identified in 1/250866 chromosomes in the general population by the Genome Aggregation Database (gnomAD). The available evidence is insufficient to determine the role of this variant in disease conclusively. Therefore, this variant is classified as a Variant of Uncertain Significance.

This study involves interpretation of variants in research participants for the purpose of population health screening. Participant phenotype was not available at the time of variant classification. Additional details can be found in publication PMID: 35346344, PMCID: PMC8962531

Color Diagnostics, LLC DBA Color Health
Classification: Uncertain significance for Familial thoracic aortic aneurysm and aortic dissection. Last evaluated: 2024-03-06. Review status: criteria provided, single submitter. Criteria: ACMG Guidelines, 2015. Collection method: clinical testing. Allele origin: germline.
Comment: This missense variant replaces threonine with isoleucine at codon 132 of the TGFBR2 protein. Computational prediction suggests that this variant may not impact protein structure and function (internally defined REVEL score threshold <= 0.5, PMID: 27666373). To our knowledge, functional studies have not been reported for this variant. This variant has not been reported in individuals affected with cardiovascular disorders in the literature. This variant has been identified in 1/250866 chromosomes in the general population by the Genome Aggregation Database (gnomAD). The available evidence is insufficient to determine the role of this variant in disease conclusively. Therefore, this variant is classified as a Variant of Uncertain Significance.

Clinical Genomics, Uppaluri K&H Personalized Medicine Clinic
Classification: Uncertain risk allele for Diabetic retinopathy. Review status: criteria provided, single submitter. Criteria: K And H Uppaluri Personalized Medicine Clinic Variant Classification And Assertion Criteria Updated V 2. Collection method: research. Allele origin: unknown.
Comment: Potent mutations in TGFBR2 gene encodes the transforming growth factor that have been associated with angiogenesis and diabetic retinopathy. More clinical studies are needed for stronger association. However, more evidence is required to confer the association of this particular variant rs1402755105 with diabetic retinopathy.

Literature cited by the submitters: PubMed 30222965 (cited by Clinical Genomics, Uppaluri K&H Personalized Medicine Clinic); PubMed 28162229 (cited by Clinical Genomics, Uppaluri K&H Personalized Medicine Clinic); PubMed 34572573 (cited by Clinical Genomics, Uppaluri K&H Personalized Medicine Clinic).

NM_003242.6(TGFBR2):c.395C>T (p.Thr132Ile)

Gene: TGFBR2 (transforming growth factor beta receptor 2; plus strand). Cytogenetic location: 3p24.1.
Variant type: single nucleotide variant.
Coding change: c.395C>T on transcript NM_003242.6 (MANE Select); coding-DNA position 395, C replaced by T.
Protein change: p.Thr132Ile; replaces threonine 132 with isoleucine.
Molecular consequence: missense variant.
Genome position (GRCh38, 1-based): chr3:30,650,401, C>T. VCF-style: chr3-30650401-C-T. GRCh37 (hg19) VCF-style: chr3-30691893-C-T.
Other names: c.470C>T, p.Thr157Ile (NM_001024847.3, NM_001407126.1, NM_001407139.1); c.395C>T, p.Thr132Ile (NM_001407127.1, NM_001407130.1); c.422C>T, p.Thr141Ile (NM_001407128.1); c.290C>T, p.Thr97Ile (NM_001407129.1, NM_001407132.1, NM_001407133.1 and 3 more transcripts); short protein forms T132I, T157I, T141I, T97I.
Identifiers: ClinVar variation 927735 (VCV000927735.15), dbSNP rs1402755105, ClinGen allele CA351806995.
Genomic context (GRCh38, chr3:30,650,401, plus strand): 5'-TTCTGGAAGATGCTGCTTCTCCAAAGTGCATTATGAAGGAAAAAAAAAAGCCTGGTGAGA[C>T]TTTCTTCATGTGTTCCTGTAGCTCTGATGAGTGCAATGACAACATCATCTTCTCAGAAGG-3'
Protein context (NP_003233.4, residues 122-142): IMKEKKKPGE[Thr132Ile]FFMCSCSSDE